The following is an entry in ClinVar:

ClinVar aggregate classification (germline): Pathogenic (1 of 4 stars; one submission).

Conditions:
Recessive dystrophic epidermolysis bullosa (RDEB). Also called: DYSTROPHIC EPIDERMOLYSIS BULLOSA, AUTOSOMAL RECESSIVE; EPIDERMOLYSIS BULLOSA DYSTROPHICA, HALLOPEAU-SIEMENS TYPE; Hallopeau-Siemens Disease; severe generalized recessive dystrophic epidermolysis bullosa; EPIDERMOLYSIS BULLOSA DYSTROPHICA, GENERALIZED SEVERE, AUTOSOMAL RECESSIVE; Epidermolysis Bullosa Distrophica Autosomal Recessive (RDEB). Identifiers: Orphanet 79408, Orphanet 79409, MedGen C0079474, MONDO:0009179, OMIM 226600.

Submission:

Myriad Genetics, Inc.
Classification: Pathogenic for Recessive dystrophic epidermolysis bullosa. Last evaluated: 2025-11-13. Review status: criteria provided, single submitter. Criteria: Myriad Autosomal Dominant, Autosomal Recessive and X-Linked Classification Criteria (2023). Collection method: clinical testing. Allele origin: unknown.
Comment: NM_000094.3(COL7A1):c.1305G>A(W435*) is expected to be pathogenic in the context of dystrophic epidermolysis bullosa. This variant is predicted to lead to an abnormal or absent protein product due to the creation of a premature termination codon in COL7A1, a gene where loss-of-function variants are known to be pathogenic. Please note: this variant was assessed in the context of healthy population screening.

NM_000094.4(COL7A1):c.1305G>A (p.Trp435Ter)

Gene: COL7A1 (collagen type VII alpha 1 chain; minus strand). Cytogenetic location: 3p21.31.
Variant type: single nucleotide variant.
Coding change: c.1305G>A on transcript NM_000094.4 (MANE Select); coding-DNA position 1305, G replaced by A.
Protein change: p.Trp435Ter; replaces tryptophan 435 with a stop codon.
Molecular consequence: nonsense.
Genome position (GRCh38, 1-based): chr3:48,591,950, C>T on the plus strand (G>A on the coding strand, the complement: COL7A1 is on the minus strand). VCF-style: chr3-48591950-C-T. GRCh37 (hg19) VCF-style: chr3-48629383-C-T.
Other names: short protein forms W435*.
Identifiers: ClinVar variation 5015214 (VCV005015214.1).